The following is an entry in ClinVar:

ClinVar aggregate classification (germline): Uncertain significance (1 of 4 stars; one submission).

Conditions:
Inborn genetic diseases. Identifiers: MedGen C0950123, MeSH D030342.

Submission:

Ambry Genetics
Classification: Uncertain significance for Inborn genetic diseases. Last evaluated: 2025-07-31. Review status: criteria provided, single submitter. Criteria: Ambry Variant Classification Scheme 2023. Collection method: clinical testing. Allele origin: germline.
Comment: The p.V668I variant (also known as c.2002G>A), located in coding exon 14 of the ERCC6L2 gene, results from a G to A substitution at nucleotide position 2002. The valine at codon 668 is replaced by isoleucine, an amino acid with highly similar properties. This amino acid position is conserved. In addition, the in silico prediction for this alteration is inconclusive. Based on the available evidence, the clinical significance of this variant remains unclear.

NM_020207.7(ERCC6L2):c.2002G>A (p.Val668Ile)

Gene: ERCC6L2 (ERCC excision repair 6 like 2; plus strand). Cytogenetic location: 9q22.32.
Variant type: single nucleotide variant.
Coding change: c.2002G>A on transcript NM_020207.7 (MANE Select); coding-DNA position 2002, G replaced by A.
Protein change: p.Val668Ile; replaces valine 668 with isoleucine.
Molecular consequence: missense variant. On other transcripts: non-coding transcript variant (1).
Genome position (GRCh38, 1-based): chr9:95,966,616, G>A. VCF-style: chr9-95966616-G-A. GRCh37 (hg19) VCF-style: chr9-98728898-G-A.
Other names: c.2002G>A, p.Val668Ile (NM_001010895.4, NM_001375291.1, NM_001375292.1 and 2 more transcripts); short protein forms V668I.
Identifiers: ClinVar variation 4250604 (VCV004250604.1).